The following is an entry in ClinVar:

NM_001122659.3(EDNRB):c.1095G>T (p.Leu365Phe)

Genes: EDNRB (endothelin receptor type B; minus strand), EDNRB-AS1 (EDNRB antisense RNA 1; plus strand). Cytogenetic location: 13q22.3.
Variant type: single nucleotide variant.
Coding change: c.1095G>T on transcript NM_001122659.3 (MANE Select); coding-DNA position 1095, G replaced by T.
Protein change: p.Leu365Phe; replaces leucine 365 with phenylalanine.
Molecular consequence: missense variant.
Genome position (GRCh38, 1-based): chr13:77,899,958, C>A on the plus strand (G>T on the coding strand, the complement: EDNRB is on the minus strand). VCF-style: chr13-77899958-C-A. GRCh37 (hg19) VCF-style: chr13-78474093-C-A.
Other names: c.1095G>T, p.Leu365Phe (NM_000115.5, NM_003991.4); c.1365G>T, p.Leu455Phe (NM_001201397.2); short protein forms L365F, L455F.
Identifiers: ClinVar variation 2811413 (VCV002811413.3), dbSNP rs2501526549, ClinGen allele CA388451284.

ClinVar aggregate classification (germline): Uncertain significance (1 of 4 stars; one submission).

Submission:

Labcorp Genetics (formerly Invitae), Labcorp
Classification: Uncertain significance. Last evaluated: 2023-05-27. Review status: criteria provided, single submitter. Criteria: Invitae Variant Classification Sherloc (09022015). Collection method: clinical testing. Allele origin: germline.
Comment: In summary, the available evidence is currently insufficient to determine the role of this variant in disease. Therefore, it has been classified as a Variant of Uncertain Significance. Advanced modeling of protein sequence and biophysical properties (such as structural, functional, and spatial information, amino acid conservation, physicochemical variation, residue mobility, and thermodynamic stability) performed at Invitae indicates that this missense variant is not expected to disrupt EDNRB protein function. This variant has not been reported in the literature in individuals affected with EDNRB-related conditions. This variant is not present in population databases (gnomAD no frequency). This sequence change replaces leucine, which is neutral and non-polar, with phenylalanine, which is neutral and non-polar, at codon 365 of the EDNRB protein (p.Leu365Phe).